The following is an entry in ClinVar:

ClinVar aggregate classification (germline): Uncertain significance (1 of 4 stars; one submission).

Conditions:
Hereditary cancer-predisposing syndrome. Also called: Tumor predisposition; Hereditary Cancer Syndrome; Hereditary neoplastic syndrome; Neoplastic Syndromes, Hereditary. Identifiers: Orphanet 140162, MedGen C0027672, MeSH D009386, MONDO:0015356.

Submission:

Ambry Genetics
Classification: Uncertain significance for Hereditary cancer-predisposing syndrome. Last evaluated: 2024-03-20. Review status: criteria provided, single submitter. Criteria: Ambry Variant Classification Scheme 2023. Collection method: clinical testing. Allele origin: germline.
Comment: The p.L101S variant (also known as c.302T>C), located in coding exon 1 of the ALK gene, results from a T to C substitution at nucleotide position 302. The leucine at codon 101 is replaced by serine, an amino acid with dissimilar properties. This amino acid position is conserved. In addition, the in silico prediction for this alteration is inconclusive. Based on the available evidence, the clinical significance of this alteration remains unclear.

NM_004304.5(ALK):c.302T>C (p.Leu101Ser)

Gene: ALK (ALK receptor tyrosine kinase; minus strand). Cytogenetic location: 2p23.1.
Variant type: single nucleotide variant.
Coding change: c.302T>C on transcript NM_004304.5 (MANE Select); coding-DNA position 302, T replaced by C.
Protein change: p.Leu101Ser; replaces leucine 101 with serine.
Molecular consequence: missense variant.
Genome position (GRCh38, 1-based): chr2:29,920,358, A>G on the plus strand (T>C on the coding strand, the complement: ALK is on the minus strand). VCF-style: chr2-29920358-A-G. GRCh37 (hg19) VCF-style: chr2-30143224-A-G.
Other names: short protein forms L101S.
Identifiers: ClinVar variation 3285665 (VCV003285665.1).
Genomic context (GRCh38, chr2:29,920,358, plus strand): 5'-CGGGCCTCTGCCGGGGCTGGTGAACCGGCGGTCCAGGAGACCCCCGGCGCCGGCCCCAGC[A>G]ACCTGAGCAGCGGGGCGCAGTCCAGAGCTAGCGAGCCGCGGGCCTCGGGCCTGCCAGCCT-3'
Protein context (NP_004295.2, residues 91-111): LALDCAPLLR[Leu101Ser]LGPAPGVSWT